The following is an entry in ClinVar:

ClinVar aggregate classification (germline): Benign/Likely benign. Review status: criteria provided, multiple submitters, no conflicts (2 of 4 stars). 5 submissions from 5 submitters: Benign (2); Likely benign (3). Last evaluated 2026-01-27.

Conditions:
Inborn genetic diseases. Identifiers: MedGen C0950123, MeSH D030342.

Allele frequency attached by ClinVar (database versions not stated): gnomAD exomes 0.00038; ExAC 0.00049; gnomAD 0.00161 and 0.00173; ESP Exome Variant Server 0.00177; 1000 Genomes Project 30x 0.00187; TOPMed 0.00193; 1000 Genomes Project 0.00200.

Submissions (5):

Labcorp Genetics (formerly Invitae), Labcorp
Classification: Benign. Last evaluated: 2026-01-27. Review status: criteria provided, single submitter. Criteria: Invitae Variant Classification Sherloc (09022015). Collection method: clinical testing. Allele origin: germline.

CeGaT Center for Human Genetics Tuebingen
Classification: Likely benign. Last evaluated: 2024-08-01. Review status: criteria provided, single submitter. Criteria: CeGaT Center For Human Genetics Tuebingen Variant Classification Criteria Version 2. Collection method: clinical testing. Allele origin: germline. Affected: yes. Observed: 2 variant alleles.
Comment: KAT6A: BP4, BP7, BS1

GeneDx
Classification: Benign. Last evaluated: 2020-04-16. Review status: criteria provided, single submitter. Criteria: GeneDx Variant Classification Process June 2021. Collection method: clinical testing. Allele origin: germline. Affected: yes.

Ambry Genetics
Classification: Likely benign for Inborn genetic diseases. Last evaluated: 2016-08-18. Review status: criteria provided, single submitter. Criteria: Ambry Variant Classification Scheme 2023. Collection method: clinical testing. Allele origin: germline.

Breakthrough Genomics
Classification: Likely benign. Review status: criteria provided, single submitter. Criteria: ACMG Guidelines, 2015. Collection method: not provided. Allele origin: germline. Inheritance: Autosomal dominant inheritance. Affected: yes.

NM_006766.5(KAT6A):c.4146G>A (p.Thr1382=)

Gene: KAT6A (lysine acetyltransferase 6A; minus strand). Cytogenetic location: 8p11.21.
Variant type: single nucleotide variant.
Coding change: c.4146G>A on transcript NM_006766.5 (MANE Select); coding-DNA position 4146, G replaced by A.
Protein change: p.Thr1382=; no amino-acid change (threonine 1382 retained).
Molecular consequence: synonymous variant.
Genome position (GRCh38, 1-based): chr8:41,934,074, C>T on the plus strand (G>A on the coding strand, the complement: KAT6A is on the minus strand). VCF-style: chr8-41934074-C-T. GRCh37 (hg19) VCF-style: chr8-41791592-C-T.
Identifiers: ClinVar variation 588065 (VCV000588065.35), dbSNP rs75346307, ClinGen allele CA4729535.
Genomic context (GRCh38, chr8:41,934,074, plus strand): 5'-AGTGTGGGAGTCTTCTTCGTGGTCGTCCTCAGACCCAGCCATCTGCTCTGACACCACGGA[C>T]GTGTCATGGGAAGGCTGCTCCTCTTCGGAATCCAGCTCGGTTTCCTCTTTATCCTTTATC-3'
Protein context (NP_006757.2, residues 1372-1392): DSEEEQPSHD[Thr1382=]SVVSEQMAGS